The following is an entry in ClinVar:

NM_006306.4(SMC1A):c.3661A>G (p.Thr1221Ala)

Gene: SMC1A (structural maintenance of chromosomes 1A; minus strand). Cytogenetic location: Xp11.22.
Variant type: single nucleotide variant.
Coding change: c.3661A>G on transcript NM_006306.4 (MANE Select); coding-DNA position 3661, A replaced by G.
Protein change: p.Thr1221Ala; replaces threonine 1221 with alanine.
Molecular consequence: missense variant.
Genome position (GRCh38, 1-based): chrX:53,380,144, T>C on the plus strand (A>G on the coding strand, the complement: SMC1A is on the minus strand). VCF-style: chrX-53380144-T-C. GRCh37 (hg19) VCF-style: chrX-53407065-T-C.
Other names: c.3595A>G, p.Thr1199Ala (NM_001281463.1); short protein forms T1221A, T1199A.
Identifiers: ClinVar variation 1510427 (VCV001510427.8), dbSNP rs2146580992, ClinGen allele CA413241554.
Genomic context (GRCh38, chrX:53,380,144, plus strand): 5'-CGGGAGGGCAAAAATACTGCTACTGCTCATTGGGGTTGGGGTTGGCATCTGGGTACTTGG[T>C]GAGGTCGAAGGTCAGGACTTTGCTGATCACACAGTCCCCTTGCTGAAGGAGGAGGGAGAA-3'
Protein context (NP_006297.2, residues 1211-1231): VISKVLTFDL[Thr1221Ala]KYPDANPNPN

ClinVar aggregate classification (germline): Uncertain significance (1 of 4 stars; one submission).

Conditions:
Congenital muscular hypertrophy-cerebral syndrome (CDLS2). Also called: SMC1A-Related Cornelia de Lange Syndrome; Cornelia de Lange syndrome 2. Identifiers: Orphanet 199, MedGen C1802395, MONDO:0010370, OMIM 300590.

Submission:

Labcorp Genetics (formerly Invitae), Labcorp
Classification: Uncertain significance for Congenital muscular hypertrophy-cerebral syndrome. Last evaluated: 2021-04-08. Review status: criteria provided, single submitter. Criteria: Invitae Variant Classification Sherloc (09022015). Collection method: clinical testing. Allele origin: germline.
Comment: In summary, the available evidence is currently insufficient to determine the role of this variant in disease. Therefore, it has been classified as a Variant of Uncertain Significance. Advanced modeling of protein sequence and biophysical properties (such as structural, functional, and spatial information, amino acid conservation, physicochemical variation, residue mobility, and thermodynamic stability) performed at Invitae indicates that this missense variant is not expected to disrupt SMC1A protein function. This variant has not been reported in the literature in individuals with SMC1A-related conditions. This variant is not present in population databases (ExAC no frequency). This sequence change replaces threonine with alanine at codon 1221 of the SMC1A protein (p.Thr1221Ala). The threonine residue is moderately conserved and there is a small physicochemical difference between threonine and alanine.